The following is an entry in ClinVar:

ClinVar aggregate classification (germline): Benign/Likely benign. Review status: criteria provided, multiple submitters, no conflicts (2 of 4 stars). 6 submissions from 6 submitters: Benign (3); Likely benign (3). Last evaluated 2026-09-01.

Conditions:
3M syndrome 2. Also called: THREE M SYNDROME 2; 3-M Syndrome, OBSL1-Related. Identifiers: Orphanet 2616, MedGen C2752041, MONDO:0013039, OMIM 612921.

Allele frequency attached by ClinVar (database versions not stated): gnomAD exomes 0.00036 and 0.00091; ExAC 0.00118; 1000 Genomes Project 30x 0.00219; 1000 Genomes Project 0.00220; ESP Exome Variant Server 0.00337; gnomAD 0.00358 and 0.00387; TOPMed 0.00412.
gnomAD v4.1: 1,100 of 1,611,518 alleles (0.068%); highest among the groups gnomAD compares: African/African-American, 1.3%; 7 homozygotes.

Submissions (6):

CeGaT Center for Human Genetics Tuebingen
Classification: Likely benign. Last evaluated: 2026-09-01. Review status: criteria provided, single submitter. Criteria: CeGaT Center For Human Genetics Tuebingen Variant Classification Criteria Version 2. Collection method: clinical testing. Allele origin: germline. Affected: yes. Observed: 1 variant allele.
Comment: OBSL1: BP4, BP7, BS1

Women's Health and Genetics/Laboratory Corporation of America, LabCorp
Classification: Likely benign. Last evaluated: 2026-05-11. Review status: criteria provided, single submitter. Criteria: LabCorp Variant Classification Summary - May 2015. Collection method: clinical testing. Allele origin: germline.

Labcorp Genetics (formerly Invitae), Labcorp
Classification: Benign. Last evaluated: 2026-01-28. Review status: criteria provided, single submitter. Criteria: Invitae Variant Classification Sherloc (09022015). Collection method: clinical testing. Allele origin: germline.

Blueprint Genetics
Classification: Likely benign. Last evaluated: 2024-07-05. Review status: criteria provided, single submitter. Criteria: ACMG Guidelines, 2015. Collection method: clinical testing. Allele origin: germline.

Illumina Laboratory Services, Illumina
Classification: Benign for 3M syndrome 2. Last evaluated: 2018-01-13. Review status: criteria provided, single submitter. Criteria: ICSL Variant Classification Criteria 13 December 2019. Collection method: clinical testing. Allele origin: germline.
Comment: This variant was observed in the ICSL laboratory as part of a predisposition screen in an ostensibly healthy population. It had not been previously curated by ICSL or reported in the Human Gene Mutation Database (HGMD: prior to June 1st, 2018), and was therefore a candidate for classification through an automated scoring system. Utilizing variant allele frequency, disease prevalence and penetrance estimates, and inheritance mode, an automated score was calculated to assess if this variant is too frequent to cause the disease. Based on the score and internal cut-off values, a variant classified as benign is not then subjected to further curation. The score for this variant resulted in a classification of benign for this disease.

Breakthrough Genomics
Classification: Benign. Review status: criteria provided, single submitter. Criteria: ACMG Guidelines, 2015. Collection method: not provided. Allele origin: germline. Inheritance: Autosomal recessive inheritance. Affected: yes.

NM_015311.3(OBSL1):c.3399G>A (p.Gly1133=)

Gene: OBSL1 (obscurin like cytoskeletal adaptor 1; minus strand). Cytogenetic location: 2q35.
Variant type: single nucleotide variant.
Coding change: c.3399G>A on transcript NM_015311.3 (MANE Select); coding-DNA position 3399, G replaced by A.
Protein change: p.Gly1133=; no amino-acid change (glycine 1133 retained).
Molecular consequence: synonymous variant.
Genome position (GRCh38, 1-based): chr2:219,558,287, C>T on the plus strand (G>A on the coding strand, the complement: OBSL1 is on the minus strand). VCF-style: chr2-219558287-C-T. GRCh37 (hg19) VCF-style: chr2-220423009-C-T.
Other names: c.3399G>A, p.Gly1133= (NM_001173431.2).
Identifiers: ClinVar variation 769590 (VCV000769590.18), dbSNP rs115915650, ClinGen allele CA2130880.
Genomic context (GRCh38, chr2:219,558,287, plus strand): 5'-ACACACATACTCCCCGGCGTCCTCAGGCTGGGCGTGGGGCAGGGTCAGGGTGCGGGTGGG[C>T]CCCTCGGCACCCAGCTGCAGGGCATCTGATGCCTCCACTTCCAGCCCGTCCTTGTACCAG-3'
Protein context (NP_056126.1, residues 1123-1143): ASDALQLGAE[Gly1133=]PTRTLTLPHA